The following is an entry in ClinVar:

ClinVar aggregate classification (germline): Benign/Likely benign. Review status: criteria provided, multiple submitters, no conflicts (2 of 4 stars). 2 submissions from 2 submitters: Benign (1); Likely benign (1). Last evaluated 2024-10-17.

Conditions:
Hereditary leiomyomatosis and renal cell cancer. Also called: MULTIPLE CUTANEOUS AND UTERINE LEIOMYOMATA 1, WITH OR WITHOUT RENAL CELL CARCINOMA; LEIOMYOMA, MULTIPLE CUTANEOUS; FH tumor predisposition syndrome; Reed syndrome; Multiple cutaneous and uterine leiomyomatosis; Cutaneous leiomyomata with uterine leiomyomata. Identifiers: Orphanet 523, MedGen C1708350, MONDO:0007888, OMIM 150800, HP:0007437. Disease mechanism: loss of function.

Submissions (2):

Myriad Genetics, Inc.
Classification: Benign for Hereditary leiomyomatosis and renal cell cancer. Last evaluated: 2024-10-17. Review status: criteria provided, single submitter. Criteria: Myriad Autosomal Dominant, Autosomal Recessive and X-Linked Classification Criteria (2023). Collection method: clinical testing. Allele origin: unknown.
Comment: This variant is considered benign. This variant is a silent/synonymous amino acid change and it is not expected to impact splicing.

Labcorp Genetics (formerly Invitae), Labcorp
Classification: Likely benign. Last evaluated: 2024-03-20. Review status: criteria provided, single submitter. Criteria: Invitae Variant Classification Sherloc (09022015). Collection method: clinical testing. Allele origin: germline.

NM_000143.4(FH):c.9A>T (p.Arg3=)

Gene: FH (fumarate hydratase; minus strand). Cytogenetic location: 1q43.
Variant type: single nucleotide variant.
Coding change: c.9A>T on transcript NM_000143.4 (MANE Select); coding-DNA position 9, A replaced by T.
Protein change: p.Arg3=; no amino-acid change (arginine 3 retained).
Molecular consequence: synonymous variant.
Genome position (GRCh38, 1-based): chr1:241,519,714, T>A on the plus strand (A>T on the coding strand, the complement: FH is on the minus strand). VCF-style: chr1-241519714-T-A. GRCh37 (hg19) VCF-style: chr1-241683014-T-A.
Identifiers: ClinVar variation 3718935 (VCV003718935.3).